The following is an entry in ClinVar:

ClinVar aggregate classification (germline): Uncertain significance (1 of 4 stars; one submission).

Conditions:
Alpha thalassemia-X-linked intellectual disability syndrome (ATRX). Also called: ALPHA-THALASSEMIA/MENTAL RETARDATION SYNDROME, X-LINKED; ATR, NONDELETION TYPE; ATR-X syndrome; Alpha thalassemia mental retardation syndrome, nondeletion type, X-linked; XLMR hypotonic face syndrome; X-linked alpha-thalassemia-mental retardation syndrome. Identifiers: Orphanet 847, MedGen C1845055, MONDO:0010519, OMIM 301040.

Submission:

Labcorp Genetics (formerly Invitae), Labcorp
Classification: Uncertain significance for Alpha thalassemia-X-linked intellectual disability syndrome. Last evaluated: 2025-04-29. Review status: criteria provided, single submitter. Criteria: Invitae Variant Classification Sherloc (09022015). Collection method: clinical testing. Allele origin: germline.
Comment: This sequence change replaces glutamic acid, which is acidic and polar, with glycine, which is neutral and non-polar, at codon 884 of the ATRX protein (p.Glu884Gly). This variant is not present in population databases (gnomAD no frequency). This variant has not been reported in the literature in individuals affected with ATRX-related conditions. Invitae Evidence Modeling of protein sequence and biophysical properties (such as structural, functional, and spatial information, amino acid conservation, physicochemical variation, residue mobility, and thermodynamic stability) indicates that this missense variant is not expected to disrupt ATRX protein function with a negative predictive value of 95%. In summary, the available evidence is currently insufficient to determine the role of this variant in disease. Therefore, it has been classified as a Variant of Uncertain Significance.

NM_000489.6(ATRX):c.2651A>G (p.Glu884Gly)

Gene: ATRX (ATRX chromatin remodeler; minus strand). Cytogenetic location: Xq21.1.
Variant type: single nucleotide variant.
Coding change: c.2651A>G on transcript NM_000489.6 (MANE Select); coding-DNA position 2651, A replaced by G.
Protein change: p.Glu884Gly; replaces glutamic acid 884 with glycine.
Molecular consequence: missense variant.
Genome position (GRCh38, 1-based): chrX:77,682,605, T>C on the plus strand (A>G on the coding strand, the complement: ATRX is on the minus strand). VCF-style: chrX-77682605-T-C. GRCh37 (hg19) VCF-style: chrX-76938097-T-C.
Other names: c.2537A>G, p.Glu846Gly (NM_138270.5); short protein forms E846G, E884G.
Identifiers: ClinVar variation 4801109 (VCV004801109.1).
Genomic context (GRCh38, chrX:77,682,605, plus strand): 5'-AATTCCATGATGGTCGTGTCTTTATCAACTGTGCCTTCTGCTGAAGAGAAAGTCTCTCTC[T>C]CTTGTTTTCTTTCAGCATCATCAGATGATCCTTCTTGTGAGGTCTTCAAATTTTTGTGCC-3'
Protein context (NP_000480.3, residues 874-894): GSSDDAERKQ[Glu884Gly]RETFSSAEGT